The following is an entry in ClinVar:

NM_004360.5(CDH1):c.24C>G (p.Leu8=)

Gene: CDH1 (cadherin 1; plus strand). Cytogenetic location: 16q22.1.
Variant type: single nucleotide variant.
Coding change: c.24C>G on transcript NM_004360.5 (MANE Select); coding-DNA position 24, C replaced by G.
Protein change: p.Leu8=; no amino-acid change (leucine 8 retained).
Molecular consequence: synonymous variant. On other transcripts: 5 prime UTR variant (2).
Genome position (GRCh38, 1-based): chr16:68,737,439, C>G. VCF-style: chr16-68737439-C-G. GRCh37 (hg19) VCF-style: chr16-68771342-C-G.
Other names: c.24C>G, p.Leu8= (NM_001317184.2); c.-1592C>G (NM_001317185.2); c.-1796C>G (NM_001317186.2).
Identifiers: ClinVar variation 630530 (VCV000630530.16), dbSNP rs1057521296, ClinGen allele CA496149553.

ClinVar aggregate classification (germline): Benign/Likely benign. Review status: criteria provided, multiple submitters, no conflicts (2 of 4 stars). 5 submissions from 5 submitters: Benign (1); Likely benign (3). 1 of the submissions does not count toward it. Last evaluated 2025-03-29.

Conditions:
Hereditary cancer-predisposing syndrome. Also called: Hereditary Cancer Syndrome; Neoplastic Syndromes, Hereditary; Tumor predisposition; Hereditary neoplastic syndrome. Identifiers: Orphanet 140162, MedGen C0027672, MeSH D009386, MONDO:0015356.
Hereditary diffuse gastric adenocarcinoma (HDGC). Also called: DIFFUSE GASTRIC AND LOBULAR BREAST CANCER SYNDROME. Identifiers: Orphanet 26106, MedGen C1708349, MONDO:0007648, OMIM 137215.
CDH1-related disorder. Also called: CDH1-related condition.

Allele frequency attached by ClinVar (database versions not stated): TOPMed below 0.00001; gnomAD 0.00001.
gnomAD v4.1: 3 of 1,535,522 alleles (0.0002%); highest among the groups gnomAD compares: Non-Finnish European, 0.00026%; no homozygotes.

Submissions (5):

Labcorp Genetics (formerly Invitae), Labcorp
Classification: Likely benign for Hereditary diffuse gastric adenocarcinoma. Last evaluated: 2025-03-29. Review status: criteria provided, single submitter. Criteria: Invitae Variant Classification Sherloc (09022015). Collection method: clinical testing. Allele origin: germline.

Myriad Genetics, Inc.
Classification: Benign for Hereditary diffuse gastric adenocarcinoma. Last evaluated: 2024-09-10. Review status: criteria provided, single submitter. Criteria: Myriad Autosomal Dominant, Autosomal Recessive and X-Linked Classification Criteria (2023). Collection method: clinical testing. Allele origin: unknown.
Comment: This variant is considered benign. This variant is a silent/synonymous amino acid change and it is not expected to impact splicing.

Ambry Genetics
Classification: Likely benign for Hereditary cancer-predisposing syndrome. Last evaluated: 2020-03-06. Review status: criteria provided, single submitter. Criteria: Ambry Variant Classification Scheme 2023. Collection method: clinical testing. Allele origin: germline.

Color Diagnostics, LLC DBA Color Health
Classification: Likely benign for Hereditary cancer-predisposing syndrome. Last evaluated: 2018-03-25. Review status: criteria provided, single submitter. Criteria: ACMG Guidelines, 2015. Collection method: clinical testing. Allele origin: germline.

PreventionGenetics, part of Exact Sciences
Classification: Likely benign for CDH1-related condition. Last evaluated: 2022-03-15. Review status: no assertion criteria provided. Collection method: clinical testing. Allele origin: germline. Not counted in ClinVar's aggregate classification.
Comment: This variant is classified as likely benign based on ACMG/AMP sequence variant interpretation guidelines (Richards et al. 2015 PMID: 25741868, with internal and published modifications).